The following is an entry in ClinVar:

ClinVar aggregate classification (germline): Uncertain significance (1 of 4 stars; one submission).

gnomAD v4.1: 51 of 1,614,058 alleles (0.0032%); highest among the groups gnomAD compares: Non-Finnish European, 0.0043%; no homozygotes.

Submission:

Women's Health and Genetics/Laboratory Corporation of America, LabCorp
Classification: Uncertain significance. Last evaluated: 2024-07-29. Review status: criteria provided, single submitter. Criteria: LabCorp Variant Classification Summary - May 2015. Collection method: clinical testing. Allele origin: germline.
Comment: Variant summary: HEPACAM c.859G>A (p.Asp287Asn) results in a conservative amino acid change in the encoded protein sequence. Four of five in-silico tools predict a benign effect of the variant on protein function. The variant allele was found at a frequency of 8e-06 in 251494 control chromosomes. The available data on variant occurrences in the general population are insufficient to allow any conclusion about variant significance. To our knowledge, no occurrence of c.859G>A in individuals affected with Megalencephalic Leukoencephalopathy With Subcortical Cysts 2b, Remitting, With Or Without Mental Retardation and no experimental evidence demonstrating its impact on protein function have been reported. No submitters have cited clinical-significance assessments for this variant to ClinVar. Based on the evidence outlined above, the variant was classified as uncertain significance.

NM_152722.5(HEPACAM):c.859G>A (p.Asp287Asn)

Gene: HEPACAM (hepatic and glial cell adhesion molecule; minus strand). Cytogenetic location: 11q24.2.
Variant type: single nucleotide variant.
Coding change: c.859G>A on transcript NM_152722.5 (MANE Select); coding-DNA position 859, G replaced by A.
Protein change: p.Asp287Asn; replaces aspartic acid 287 with asparagine.
Molecular consequence: missense variant.
Genome position (GRCh38, 1-based): chr11:124,922,763, C>T on the plus strand (G>A on the coding strand, the complement: HEPACAM is on the minus strand). VCF-style: chr11-124922763-C-T. GRCh37 (hg19) VCF-style: chr11-124792659-C-T.
Other names: c.859G>A, p.Asp287Asn (NM_001411043.1); short protein forms D287N.
Identifiers: ClinVar variation 3339278 (VCV003339278.1).
Genomic context (GRCh38, chr11:124,922,763, plus strand): 5'-TGATTGTTGATGGGATGGGTGATTGGGTGGCTGGGAGCTCACCTTCTGGTTTCAGGCGGT[C>T]ATCATTCTGATCCATGTATTCCAGGGAGTTTTGCTTTTCTAGCTTCTTCTGTTTCCTGTG-3'
Protein context (NP_689935.2, residues 277-297): NSLEYMDQND[Asp287Asn]RLKPEADTLP